The following is an entry in ClinVar:

ClinVar aggregate classification (germline): Benign. Review status: criteria provided, single submitter (1 of 4 stars). 2 submissions from 2 submitters: Benign (1). 1 of the submissions does not count toward it. Last evaluated 2019-12-31.

Conditions:
PLXND1-related disorder. Also called: PLXND1-related condition.

Allele frequency attached by ClinVar (database versions not stated): gnomAD 0.00002 and 0.00025; TOPMed 0.00006; gnomAD exomes 0.00061 and 0.00133; ExAC 0.00146; 1000 Genomes Project 0.00200; 1000 Genomes Project 30x 0.00203.

Submissions (2):

Labcorp Genetics (formerly Invitae), Labcorp
Classification: Benign. Last evaluated: 2019-12-31. Review status: criteria provided, single submitter. Criteria: Invitae Variant Classification Sherloc (09022015). Collection method: clinical testing. Allele origin: germline.

PreventionGenetics, part of Exact Sciences
Classification: Benign for PLXND1-related condition. Last evaluated: 2019-07-25. Review status: no assertion criteria provided. Collection method: clinical testing. Allele origin: germline. Not counted in ClinVar's aggregate classification.
Comment: This variant is classified as benign based on ACMG/AMP sequence variant interpretation guidelines (Richards et al. 2015 PMID: 25741868, with internal and published modifications).

NM_015103.3(PLXND1):c.5032C>A (p.Leu1678Met)

Gene: PLXND1 (plexin D1; minus strand). Cytogenetic location: 3q22.1.
Variant type: single nucleotide variant.
Coding change: c.5032C>A on transcript NM_015103.3 (MANE Select); coding-DNA position 5032, C replaced by A.
Protein change: p.Leu1678Met; replaces leucine 1678 with methionine.
Molecular consequence: missense variant.
Genome position (GRCh38, 1-based): chr3:129,560,431, G>T on the plus strand (C>A on the coding strand, the complement: PLXND1 is on the minus strand). VCF-style: chr3-129560431-G-T. GRCh37 (hg19) VCF-style: chr3-129279274-G-T.
Other names: short protein forms L1678M.
Identifiers: ClinVar variation 708884 (VCV000708884.6), dbSNP rs200252007, ClinGen allele CA2607989.
Genomic context (GRCh38, chr3:129,560,431, plus strand): 5'-CCTTCTTGCGATGGCTCTGCCGGTGAGACTTCTTGGGCTCCGCCAGCTCGTCCGTAGGCA[G>T]CACCTGGGAGGCCGGGCAGTGGTCAGTGTCCGCACCAGGCCCCATCCTCGGCCGCCTGTG-3'
Protein context (NP_055918.3, residues 1668-1688): LDTEKYFHLV[Leu1678Met]PTDELAEPKK